The following is an entry in ClinVar:

ClinVar aggregate classification (germline): Uncertain significance (1 of 4 stars; one submission).

Allele frequency attached by ClinVar (database versions not stated): 1000 Genomes Project 30x 0.00016.
gnomAD v4.1: 26 of 1,613,906 alleles (0.0016%); highest among the groups gnomAD compares: East Asian, 0.0067%; no homozygotes.

Submission:

Labcorp Genetics (formerly Invitae), Labcorp
Classification: Uncertain significance. Last evaluated: 2022-02-04. Review status: criteria provided, single submitter. Criteria: Invitae Variant Classification Sherloc (09022015). Collection method: clinical testing. Allele origin: germline.
Comment: In summary, the available evidence is currently insufficient to determine the role of this variant in disease. Therefore, it has been classified as a Variant of Uncertain Significance. Algorithms developed to predict the effect of missense changes on protein structure and function output the following: SIFT: "Tolerated"; PolyPhen-2: "Benign"; Align-GVGD: "Class C0". The threonine amino acid residue is found in multiple mammalian species, which suggests that this missense change does not adversely affect protein function. ClinVar contains an entry for this variant (Variation ID: 1019257). This variant has not been reported in the literature in individuals affected with HSPG2-related conditions. This variant is present in population databases (rs148693072, gnomAD 0.009%). This sequence change replaces alanine, which is neutral and non-polar, with threonine, which is neutral and polar, at codon 291 of the HSPG2 protein (p.Ala291Thr).

NM_005529.7(HSPG2):c.871G>A (p.Ala291Thr)

Gene: HSPG2 (heparan sulfate proteoglycan 2; minus strand). Cytogenetic location: 1p36.12.
Variant type: single nucleotide variant.
Coding change: c.871G>A on transcript NM_005529.7 (MANE Select); coding-DNA position 871, G replaced by A.
Protein change: p.Ala291Thr; replaces alanine 291 with threonine.
Molecular consequence: missense variant.
Genome position (GRCh38, 1-based): chr1:21,887,507, C>T on the plus strand (G>A on the coding strand, the complement: HSPG2 is on the minus strand). VCF-style: chr1-21887507-C-T. GRCh37 (hg19) VCF-style: chr1-22214000-C-T.
Other names: c.871G>A, p.Ala291Thr (NM_001291860.2); short protein forms A291T.
Identifiers: ClinVar variation 1019257 (VCV001019257.10), dbSNP rs148693072, ClinGen allele CA673674.